The following is an entry in ClinVar:

ClinVar aggregate classification (germline): Conflicting classifications of pathogenicity. Review status: criteria provided, conflicting classifications (1 of 4 stars). 5 submissions from 5 submitters: Likely pathogenic (1); Uncertain significance (4). Last evaluated 2026-01-05.

Conditions:
Hereditary cancer-predisposing syndrome. Also called: Hereditary Cancer Syndrome; Neoplastic Syndromes, Hereditary; Tumor predisposition; Hereditary neoplastic syndrome. Identifiers: Orphanet 140162, MedGen C0027672, MeSH D009386, MONDO:0015356.
Hereditary breast ovarian cancer syndrome. Also called: Hereditary breast and ovarian cancer syndrome; Hereditary breast and ovarian cancer syndrome (HBOC); Hereditary breast and ovarian cancer; Hereditary breast and/or ovarian cancer syndrome; Breast and ovarian cancer; BRCA1- and BRCA2-Associated Hereditary Breast and Ovarian Cancer. Identifiers: Orphanet 145, MedGen C0677776, MeSH D061325, MONDO:0003582. Disease mechanism: loss of function.
Familial cancer of breast. Also called: BREAST CANCER, FAMILIAL; hereditary breast carcinoma; Hereditary breast cancer. Identifiers: Orphanet 227535, MedGen C0346153, MONDO:0016419, OMIM 114480. Disease mechanism: loss of function.
Breast-ovarian cancer, familial, susceptibility to, 2 (BROVCA2). Also called: BRCA2 Hereditary Breast and Ovarian Cancer. Identifiers: Orphanet 145, MedGen C2675520, MONDO:0012933, OMIM 612555. Disease mechanism: loss of function.

Allele frequency attached by ClinVar (database versions not stated): TOPMed 0.00001.

Submissions (5):

Labcorp Genetics (formerly Invitae), Labcorp
Classification: Uncertain significance for Hereditary breast ovarian cancer syndrome. Last evaluated: 2026-01-05. Review status: criteria provided, single submitter. Criteria: Invitae Variant Classification Sherloc (09022015). Collection method: clinical testing. Allele origin: germline.
Comment: This sequence change falls in intron 21 of the BRCA2 gene. It does not directly change the encoded amino acid sequence of the BRCA2 protein. This variant is not present in population databases (gnomAD no frequency). This variant has been observed in individual(s) with breast cancer (PMID: 31871109). ClinVar contains an entry for this variant (Variation ID: 630716). Algorithms developed to predict the effect of sequence changes on RNA splicing suggest that this variant may disrupt the consensus splice site. In summary, the available evidence is currently insufficient to determine the role of this variant in disease. Therefore, it has been classified as a Variant of Uncertain Significance.

Ambry Genetics
Classification: Likely pathogenic for Hereditary cancer-predisposing syndrome. Last evaluated: 2025-08-15. Review status: criteria provided, single submitter. Criteria: Ambry Variant Classification Scheme 2023. Collection method: clinical testing. Allele origin: germline.
Comment: The c.8755-11A>G intronic variant results from an A to G substitution 11 nucleotides upstream from coding exon 21 in the BRCA2 gene. In a study of 196 women with breast cancer and 185 unaffected controls from Cameroon and Uganda, this variant was observed in one individual (Adedokun B et al. Cancer Epidemiol Biomarkers Prev. 2020 Feb;29(2):359-367). This nucleotide position is well conserved in available vertebrate species. In silico splice site analysis predicts that this alteration will weaken the native splice acceptor site and will result in the creation or strengthening of a novel splice acceptor site. RNA studies have demonstrated that this alteration results in abnormal splicing in the set of samples tested (Ambry internal data). Based on the majority of available evidence to date, this variant is likely to be pathogenic.

Mendelics
Classification: Uncertain significance for Breast-ovarian cancer, familial, susceptibility to, 2. Last evaluated: 2024-03-27. Review status: criteria provided, single submitter. Criteria: ACMG Guidelines, 2015. Collection method: clinical testing. Allele origin: unknown.

Baylor Genetics
Classification: Uncertain significance for Familial cancer of breast. Last evaluated: 2023-10-17. Review status: criteria provided, single submitter. Criteria: ACMG Guidelines, 2015. Collection method: clinical testing. Allele origin: unknown.

Color Diagnostics, LLC DBA Color Health
Classification: Uncertain significance for Hereditary cancer-predisposing syndrome. Last evaluated: 2019-06-08. Review status: criteria provided, single submitter. Criteria: ACMG Guidelines, 2015. Collection method: clinical testing. Allele origin: germline.

Literature cited by the submitters: PubMed 31871109 (cited by Labcorp Genetics (formerly Invitae), Labcorp and Ambry Genetics).

NM_000059.4(BRCA2):c.8755-11A>G

Gene: BRCA2 (BRCA2 DNA repair associated; plus strand). Cytogenetic location: 13q13.1.
Variant type: single nucleotide variant.
Coding change: c.8755-11A>G on transcript NM_000059.4 (MANE Select); 11 bases into the intron before coding-DNA position 8755, A replaced by G.
Molecular consequence: intron variant.
Genome position (GRCh38, 1-based): chr13:32,379,306, A>G. VCF-style: chr13-32379306-A-G. GRCh37 (hg19) VCF-style: chr13-32953443-A-G.
Identifiers: ClinVar variation 630716 (VCV000630716.16), dbSNP rs1371032020, ClinGen allele CA697349833.